The following is an entry in ClinVar:

NM_001372.4(DNAH9):c.8559A>T (p.Lys2853Asn)

Gene: DNAH9 (dynein axonemal heavy chain 9; plus strand). Cytogenetic location: 17p12.
Variant type: single nucleotide variant.
Coding change: c.8559A>T on transcript NM_001372.4 (MANE Select); coding-DNA position 8559, A replaced by T.
Protein change: p.Lys2853Asn; replaces lysine 2853 with asparagine.
Molecular consequence: missense variant.
Genome position (GRCh38, 1-based): chr17:11,807,870, A>T. VCF-style: chr17-11807870-A-T. GRCh37 (hg19) VCF-style: chr17-11711187-A-T.
Other names: c.8559A>T (NM_001372.3); short protein forms K2853N.
Identifiers: ClinVar variation 2059804 (VCV002059804.5), dbSNP rs61744380, ClinGen allele CA8396960.

ClinVar aggregate classification (germline): Uncertain significance. Review status: criteria provided, multiple submitters, no conflicts (2 of 4 stars). 4 submissions from 4 submitters: Uncertain significance (4). Last evaluated 2026-03-19.

Conditions:
Inborn genetic diseases. Identifiers: MedGen C0950123, MeSH D030342.

Allele frequency attached by ClinVar (database versions not stated): gnomAD exomes 0.00004; ExAC 0.00024; TOPMed 0.00038; gnomAD 0.00041; ESP Exome Variant Server 0.00069.
gnomAD v4.1: 126 of 1,611,522 alleles (0.0078%); highest among the groups gnomAD compares: African/African-American, 0.12%; no homozygotes.

Submissions (4):

GeneDx
Classification: Uncertain significance. Last evaluated: 2026-03-19. Review status: criteria provided, single submitter. Criteria: GeneDx Variant Classification Process June 2021. Collection method: clinical testing. Allele origin: germline.
Comment: In silico analysis supports that this missense variant has a deleterious effect on protein structure/function; Has not been previously published as pathogenic or benign to our knowledge

Labcorp Genetics (formerly Invitae), Labcorp
Classification: Uncertain significance. Last evaluated: 2025-11-23. Review status: criteria provided, single submitter. Criteria: Invitae Variant Classification Sherloc (09022015). Collection method: clinical testing. Allele origin: germline.
Comment: This sequence change replaces lysine, which is basic and polar, with asparagine, which is neutral and polar, at codon 2853 of the DNAH9 protein (p.Lys2853Asn). This variant is present in population databases (rs61744380, gnomAD 0.1%). This variant has not been reported in the literature in individuals affected with DNAH9-related conditions. ClinVar contains an entry for this variant (Variation ID: 2059804). Invitae Evidence Modeling of protein sequence and biophysical properties (such as structural, functional, and spatial information, amino acid conservation, physicochemical variation, residue mobility, and thermodynamic stability) indicates that this missense variant is not expected to disrupt DNAH9 protein function with a negative predictive value of 80%. In summary, the available evidence is currently insufficient to determine the role of this variant in disease. Therefore, it has been classified as a Variant of Uncertain Significance.

Ambry Genetics
Classification: Uncertain significance for Inborn genetic diseases. Last evaluated: 2025-04-21. Review status: criteria provided, single submitter. Criteria: Ambry Variant Classification Scheme 2023. Collection method: clinical testing. Allele origin: germline.

Blueprint Genetics
Classification: Uncertain significance. Last evaluated: 2022-07-13. Review status: criteria provided, single submitter. Criteria: ACMG Guidelines, 2015. Collection method: clinical testing. Allele origin: germline.